The following is an entry in ClinVar:

ClinVar aggregate classification (germline): Uncertain significance (1 of 4 stars; one submission).

gnomAD v4.1: 6 of 1,598,778 alleles (0.00038%); highest among the groups gnomAD compares: African/African-American, 0.0013%; no homozygotes.

Submission:

GeneDx
Classification: Uncertain significance. Last evaluated: 2025-05-30. Review status: criteria provided, single submitter. Criteria: GeneDx Variant Classification Process June 2021. Collection method: clinical testing. Allele origin: germline. Affected: yes.
Comment: Not observed at significant frequency in large population cohorts (gnomAD); In silico analysis suggests that this missense variant does not alter protein structure/function; Has not been previously published as pathogenic or benign to our knowledge

NM_001080453.3(INTS1):c.520A>C (p.Ile174Leu)

Gene: INTS1 (integrator complex subunit 1; minus strand). Cytogenetic location: 7p22.3.
Variant type: single nucleotide variant.
Coding change: c.520A>C on transcript NM_001080453.3 (MANE Select); coding-DNA position 520, A replaced by C.
Protein change: p.Ile174Leu; replaces isoleucine 174 with leucine.
Molecular consequence: missense variant.
Genome position (GRCh38, 1-based): chr7:1,500,196, T>G on the plus strand (A>C on the coding strand, the complement: INTS1 is on the minus strand). VCF-style: chr7-1500196-T-G. GRCh37 (hg19) VCF-style: chr7-1539832-T-G.
Other names: short protein forms I174L.
Identifiers: ClinVar variation 4532751 (VCV004532751.1).